The following is an entry in ClinVar:

ClinVar aggregate classification (germline): Uncertain significance (1 of 4 stars; one submission).

Submission:

Labcorp Genetics (formerly Invitae), Labcorp
Classification: Uncertain significance. Last evaluated: 2024-05-07. Review status: criteria provided, single submitter. Criteria: Invitae Variant Classification Sherloc (09022015). Collection method: clinical testing. Allele origin: germline.
Comment: This sequence change replaces glycine, which is neutral and non-polar, with valine, which is neutral and non-polar, at codon 1147 of the COL11A2 protein (p.Gly1147Val). This variant is not present in population databases (gnomAD no frequency). This variant has not been reported in the literature in individuals affected with COL11A2-related conditions. Advanced modeling of protein sequence and biophysical properties (such as structural, functional, and spatial information, amino acid conservation, physicochemical variation, residue mobility, and thermodynamic stability) performed at Invitae indicates that this missense variant is expected to disrupt COL11A2 protein function with a positive predictive value of 95%. In summary, the available evidence is currently insufficient to determine the role of this variant in disease. Therefore, it has been classified as a Variant of Uncertain Significance.

NM_080680.3(COL11A2):c.3440G>T (p.Gly1147Val)

Gene: COL11A2 (collagen type XI alpha 2 chain; minus strand). Cytogenetic location: 6p21.32.
Variant type: single nucleotide variant.
Coding change: c.3440G>T on transcript NM_080680.3 (MANE Select); coding-DNA position 3440, G replaced by T.
Protein change: p.Gly1147Val; replaces glycine 1147 with valine.
Molecular consequence: missense variant.
Genome position (GRCh38, 1-based): chr6:33,170,844, C>A on the plus strand (G>T on the coding strand, the complement: COL11A2 is on the minus strand). VCF-style: chr6-33170844-C-A. GRCh37 (hg19) VCF-style: chr6-33138621-C-A.
Other names: c.3260G>T, p.Gly1087Val (NM_001424108.1); c.2594G>T, p.Gly865Val (NM_001424109.1); c.2414G>T, p.Gly805Val (NM_001424110.1, NM_001424111.1); c.1394G>T, p.Gly465Val (NM_001424112.1); c.3119G>T, p.Gly1040Val (NM_080679.3); c.3182G>T, p.Gly1061Val (NM_080681.3); short protein forms G805V, G1040V, G1061V, G1087V, G465V, G865V, G1147V.
Identifiers: ClinVar variation 3680849 (VCV003680849.2).